The following is an entry in ClinVar:

NM_001267550.2(TTN):c.91271-1G>A

Genes: TTN (titin; minus strand), TTN-AS1 (TTN antisense RNA 1; plus strand). Cytogenetic location: 2q31.2.
Variant type: single nucleotide variant.
Coding change: c.91271-1G>A on transcript NM_001267550.2 (MANE Select); the canonical splice acceptor site of the intron before coding-DNA position 91271, G replaced by A.
Molecular consequence: splice acceptor variant.
Genome position (GRCh38, 1-based): chr2:178,551,261, C>T on the plus strand (G>A on the coding strand, the complement: TTN is on the minus strand). VCF-style: chr2-178551261-C-T. GRCh37 (hg19) VCF-style: chr2-179415988-C-T.
Other names: c.64076-1G>A (NM_003319.4); c.64652-1G>A (NM_133437.4); c.64451-1G>A (NM_133432.3); c.83567-1G>A (NM_133378.4); c.86348-1G>A (NM_001256850.1).
Identifiers: ClinVar variation 387590 (VCV000387590.3), dbSNP rs1057522831, ClinGen allele CA16603864.

ClinVar aggregate classification (germline): Likely pathogenic (1 of 4 stars; one submission).

Submission:

GeneDx
Classification: Likely pathogenic. Last evaluated: 2025-01-16. Review status: criteria provided, single submitter. Criteria: GeneDx Variant Classification Process June 2021. Collection method: clinical testing. Allele origin: germline. Affected: yes.
Comment: Canonical splice site variant predicted to result in an in-frame loss of the adjacent exon in a gene for which loss of function is a known mechanism of disease; Not observed at significant frequency in large population cohorts (gnomAD); Reported as an ACMG secondary finding in published literature (PMID: 34621001); This variant is associated with the following publications: (PMID: 34621001, 35534676)